The following is an entry in ClinVar:

ClinVar aggregate classification (germline): Benign. Review status: criteria provided, multiple submitters, no conflicts (2 of 4 stars). 8 submissions from 7 submitters: Benign (8). Last evaluated 2025-07-10.

Conditions:
Hereditary cancer-predisposing syndrome. Also called: Neoplastic Syndromes, Hereditary; Hereditary neoplastic syndrome; Hereditary Cancer Syndrome; Tumor predisposition. Identifiers: Orphanet 140162, MedGen C0027672, MeSH D009386, MONDO:0015356.
Neurofibromatosis, familial spinal (FSNF). Identifiers: Orphanet 636, MedGen C1834235, MONDO:0008078, OMIM 162210. Disease mechanism: loss of function.
Neurofibromatosis, type 1 (NF1). Also called: NEUROFIBROMATOSIS, TYPE I, SOMATIC; Neurofibromatosis, type I; VON RECKLINGHAUSEN DISEASE; Peripheral type neurofibromatosis. Identifiers: Orphanet 636, MedGen C0027831, MONDO:0018975, OMIM 162200. Disease mechanism: loss of function.

Allele frequency attached by ClinVar (database versions not stated): 1000 Genomes Project 30x 0.46471; 1000 Genomes Project 0.47344; TOPMed 0.51727; gnomAD 0.52895 and 0.53480; ESP Exome Variant Server 0.53598; gnomAD exomes 0.62059 and 0.67204; ExAC 0.63396.

Submissions (8):

GeneKor MSA
Classification: Benign for Hereditary cancer-predisposing syndrome. Last evaluated: 2025-07-10. Review status: criteria provided, single submitter. Criteria: ACMG Guidelines, 2015. Collection method: clinical testing. Allele origin: germline.

KCCC/NGS Laboratory, Kuwait Cancer Control Center
Classification: Benign for Neurofibromatosis, type 1. Last evaluated: 2025-02-01. Review status: criteria provided, single submitter. Criteria: ACMG Guidelines, 2015. Collection method: clinical testing. Allele origin: germline. Affected: no.

KCCC/NGS Laboratory, Kuwait Cancer Control Center
Classification: Benign for Neurofibromatosis, familial spinal. Last evaluated: 2023-07-07. Review status: criteria provided, single submitter. Criteria: ACMG Guidelines, 2015. Collection method: clinical testing. Allele origin: germline. Affected: yes.

Genome-Nilou Lab
Classification: Benign for Neurofibromatosis, type 1. Last evaluated: 2021-09-05. Review status: criteria provided, single submitter. Criteria: ACMG Guidelines, 2015. Collection method: clinical testing. Allele origin: germline. Affected: no.

ARUP Laboratories, Molecular Genetics and Genomics, ARUP Laboratories
Classification: Benign. Last evaluated: 2018-07-06. Review status: criteria provided, single submitter. Criteria: ARUP Molecular Germline Variant Investigation Process. Collection method: clinical testing. Allele origin: germline.

GeneDx
Classification: Benign. Last evaluated: 2018-06-20. Review status: criteria provided, single submitter. Criteria: GeneDx Variant Classification (06012015). Collection method: clinical testing. Allele origin: germline. Affected: yes.
Comment: This variant is considered likely benign or benign based on one or more of the following criteria: it is a conservative change, it occurs at a poorly conserved position in the protein, it is predicted to be benign by multiple in silico algorithms, and/or has population frequency not consistent with disease.

Breakthrough Genomics
Classification: Benign. Review status: criteria provided, single submitter. Criteria: ACMG Guidelines, 2015. Collection method: not provided. Allele origin: germline. Inheritance: Autosomal dominant inheritance. Affected: yes.

PreventionGenetics, part of Exact Sciences
Classification: Benign. Review status: criteria provided, single submitter. Criteria: ACMG Guidelines, 2015. Collection method: clinical testing. Allele origin: germline.

NM_001042492.3(NF1):c.1641+39T>C

Gene: NF1 (neurofibromin 1; plus strand). Cytogenetic location: 17q11.2.
Variant type: single nucleotide variant.
Coding change: c.1641+39T>C on transcript NM_001042492.3 (MANE Select); 39 bases into the intron after coding-DNA position 1641, T replaced by C.
Molecular consequence: intron variant.
Genome position (GRCh38, 1-based): chr17:31,219,157, T>C. VCF-style: chr17-31219157-T-C. GRCh37 (hg19) VCF-style: chr17-29546175-T-C.
Other names: c.1641+39T>C (NM_000267.4, NM_001128147.3).
Identifiers: ClinVar variation 257278 (VCV000257278.16), dbSNP rs2905880, ClinGen allele CA8485813.